The following is an entry in ClinVar:

ClinVar aggregate classification (germline): Conflicting classifications of pathogenicity. Review status: criteria provided, conflicting classifications (1 of 4 stars). 6 submissions from 6 submitters: Pathogenic (3); Likely pathogenic (2); Uncertain significance (1). Last evaluated 2025-06-19.

Conditions:
Wilson disease (WND). Also called: Wilson's disease. Identifiers: Orphanet 905, MedGen C0019202, MONDO:0010200, OMIM 277900. Disease mechanism: loss of function.

Allele frequency attached by ClinVar (database versions not stated): gnomAD exomes below 0.00001.
gnomAD v4.1: 1 of 1,614,048 alleles (0.000062%); highest among the groups gnomAD compares: Non-Finnish European, 0.000085%; no homozygotes.

Submissions (6):

Color Diagnostics, LLC DBA Color Health
Classification: Likely pathogenic for Wilson disease. Last evaluated: 2025-06-19. Review status: criteria provided, single submitter. Criteria: ACMG Guidelines, 2015. Collection method: clinical testing. Allele origin: germline.
Comment: This missense variant replaces glycine with serine at codon 1030 of the ATP7B protein. This variant alters a conserved glycine residue in the phosphorylation domain of the ATP7B protein, a highly conserved region that is considered to be important for ATP7B protein function (PMID: 35245129). Computational prediction suggests that this variant may have deleterious impact on protein structure and function. To our knowledge, functional studies have not been reported for this variant. This variant has been observed in three individuals affected with autosomal recessive Wilson disease along with a second pathogenic mutation in the same gene (PMID: 19596473, 26799313), indicating that this variant contributes to disease. This variant has not been identified in the general population by the Genome Aggregation Database (gnomAD). Based on the available evidence, this variant is classified as Likely Pathogenic.

Myriad Genetics, Inc.
Classification: Likely pathogenic for Wilson disease. Last evaluated: 2025-05-12. Review status: criteria provided, single submitter. Criteria: Myriad Autosomal Dominant, Autosomal Recessive and X-Linked Classification Criteria (2023). Collection method: clinical testing. Allele origin: unknown.
Comment: NM_000053.3(ATP7B):c.3088G>A(G1030S) is a missense variant classified as likely pathogenic in the context of Wilson disease. G1030S has been observed in cases with relevant disease (PMID: 19596473, 26799313, 30232804). Relevant functional assessments of this variant are not available in the literature. G1030S has not been observed in referenced population frequency databases. In summary, NM_000053.3(ATP7B):c.3088G>A(G1030S) is a missense variant that has been observed more frequently in cases with the relevant disease than in healthy populations. Please note: this variant was assessed in the context of healthy population screening.

Natera, Inc.
Classification: Pathogenic for Wilson disease. Last evaluated: 2025-01-28. Review status: criteria provided, single submitter. Criteria: Natera Variant Classification Schema (03/2026). Collection method: clinical testing. Allele origin: germline.
Comment: The c.3088G>A variant in ATP7B is a missense variant predicted to cause substitution of glycine to serine at amino acid 1030. This variant is rare in the general population with a frequency below the threshold expected for the associated phenotype(s). This variant has been observed in one or more individuals affected with the associated recessive disease, as either homozygous or compound heterozygous with a second variant (PMID: 26799313, 19596473, 30232804). A different variant at the same position has been determined to be Pathogenic or Likely Pathogenic. Computational prediction algorithms indicate this variant is likely to affect gene or protein function. Given the available evidence, this variant is classified as Pathogenic.

Labcorp Genetics (formerly Invitae), Labcorp
Classification: Pathogenic for Wilson disease. Last evaluated: 2024-02-29. Review status: criteria provided, single submitter. Criteria: Invitae Variant Classification Sherloc (09022015). Collection method: clinical testing. Allele origin: germline.
Comment: This sequence change replaces glycine, which is neutral and non-polar, with serine, which is neutral and polar, at codon 1030 of the ATP7B protein (p.Gly1030Ser). This variant is not present in population databases (gnomAD no frequency). This missense change has been observed in individual(s) with clinical features of Wilson disease (PMID: 19596473, 26799313). ClinVar contains an entry for this variant (Variation ID: 949397). Advanced modeling of protein sequence and biophysical properties (such as structural, functional, and spatial information, amino acid conservation, physicochemical variation, residue mobility, and thermodynamic stability) performed at Invitae indicates that this missense variant is expected to disrupt ATP7B protein function with a positive predictive value of 80%. This variant disrupts the p.Gly1030 amino acid residue in ATP7B. Other variant(s) that disrupt this residue have been determined to be pathogenic (PMID: 31172689). This suggests that this residue is clinically significant, and that variants that disrupt this residue are likely to be disease-causing. For these reasons, this variant has been classified as Pathogenic.

GeneDx
Classification: Uncertain significance. Last evaluated: 2023-12-26. Review status: criteria provided, single submitter. Criteria: GeneDx Variant Classification Process June 2021. Collection method: clinical testing. Allele origin: germline. Affected: yes.
Comment: Not observed at significant frequency in large population cohorts (gnomAD); In silico analysis supports that this missense variant has a deleterious effect on protein structure/function; This variant is associated with the following publications: (PMID: 26799313)

Baylor Genetics
Classification: Pathogenic for Wilson disease. Last evaluated: 2023-08-11. Review status: criteria provided, single submitter. Criteria: ACMG Guidelines, 2015. Collection method: clinical testing. Allele origin: unknown.

Literature cited by the submitters: PubMed 19596473 (cited by 4 submitters); PubMed 26799313 (cited by 4 submitters); PubMed 35245129 (cited by Color Diagnostics, LLC DBA Color Health); PubMed 30232804 (cited by Myriad Genetics, Inc. and Natera, Inc.); PubMed 31172689 (cited by Labcorp Genetics (formerly Invitae), Labcorp).

NM_000053.4(ATP7B):c.3088G>A (p.Gly1030Ser)

Gene: ATP7B (ATPase copper transporting beta; minus strand). Cytogenetic location: 13q14.3.
Variant type: single nucleotide variant.
Coding change: c.3088G>A on transcript NM_000053.4 (MANE Select); coding-DNA position 3088, G replaced by A.
Protein change: p.Gly1030Ser; replaces glycine 1030 with serine.
Molecular consequence: missense variant.
Genome position (GRCh38, 1-based): chr13:51,944,264, C>T on the plus strand (G>A on the coding strand, the complement: ATP7B is on the minus strand). VCF-style: chr13-51944264-C-T. GRCh37 (hg19) VCF-style: chr13-52518400-C-T.
Other names: c.2467G>A, p.Gly823Ser (NM_001005918.3); c.2755G>A, p.Gly919Ser (NM_001243182.2); c.2854G>A, p.Gly952Ser (NM_001330578.2); c.2836G>A, p.Gly946Ser (NM_001330579.2); short protein forms G823S, G952S, G919S, G1030S, G946S.
Identifiers: ClinVar variation 949397 (VCV000949397.17), dbSNP rs1957518268, ClinGen allele CA388030552.
Genomic context (GRCh38, chr13:51,944,264, plus strand): 5'-TGGCCACATCCCCCAGCAGGAGCACCCGCATGACCCTGGGGACGCCATGGGTAATGGTGC[C>T]AGTCTTGTCAAACATCACAGTCTTTATCTGCCAAAAACAACCACAACTCACTGACCACAA-3'
Protein context (NP_000044.2, residues 1020-1040): KIKTVMFDKT[Gly1030Ser]TITHGVPRVM